The following is an entry in ClinVar:

ClinVar aggregate classification (germline): Uncertain significance. Review status: criteria provided, multiple submitters, no conflicts (2 of 4 stars). 2 submissions from 2 submitters: Uncertain significance (2). Last evaluated 2024-09-25.

Conditions:
Ehlers-Danlos syndrome, dermatosparaxis type. Also called: EDS VIIC; Dermatosparaxis; Ehlers-Danlos syndrome, type VII, autosomal recessive. Identifiers: Orphanet 1901, MedGen C2700425, MONDO:0009161, OMIM 225410.

Allele frequency attached by ClinVar (database versions not stated): gnomAD exomes below 0.00001.
gnomAD v4.1: 4 of 1,613,200 alleles (0.00025%); highest among the groups gnomAD compares: Non-Finnish European, 0.00034%; no homozygotes.

Submissions (2):

GeneDx
Classification: Uncertain significance. Last evaluated: 2024-09-25. Review status: criteria provided, single submitter. Criteria: GeneDx Variant Classification Process June 2021. Collection method: clinical testing. Allele origin: germline. Affected: yes.
Comment: Not observed at significant frequency in large population cohorts (gnomAD); In silico analysis supports that this missense variant has a deleterious effect on protein structure/function; Has not been previously published as pathogenic or benign to our knowledge

Pars Genome Lab
Classification: Uncertain significance for Ehlers-Danlos syndrome, dermatosparaxis type. Last evaluated: 2021-05-18. Review status: criteria provided, single submitter. Criteria: ACMG Guidelines, 2015. Collection method: clinical testing. Allele origin: germline. Affected: no.

NM_014244.5(ADAMTS2):c.2674C>T (p.Arg892Cys)

Gene: ADAMTS2 (ADAM metallopeptidase with thrombospondin type 1 motif 2; minus strand). Cytogenetic location: 5q35.3.
Variant type: single nucleotide variant.
Coding change: c.2674C>T on transcript NM_014244.5 (MANE Select); coding-DNA position 2674, C replaced by T.
Protein change: p.Arg892Cys; replaces arginine 892 with cysteine.
Molecular consequence: missense variant.
Genome position (GRCh38, 1-based): chr5:179,126,074, G>A on the plus strand (C>T on the coding strand, the complement: ADAMTS2 is on the minus strand). VCF-style: chr5-179126074-G-A. GRCh37 (hg19) VCF-style: chr5-178553075-G-A.
Other names: short protein forms R892C.
Identifiers: ClinVar variation 451740 (VCV000451740.5), dbSNP rs1554123906, ClinGen allele CA362422030.